The following is an entry in ClinVar:

ClinVar aggregate classification (germline): Uncertain significance (1 of 4 stars; one submission).

Conditions:
Emery-Dreifuss muscular dystrophy (EDMD). Also called: Scapuloperoneal syndrome, X-linked (formerly); Humeroperoneal neuromuscular disease, (formerly). Identifiers: Orphanet 261, MedGen C0410189, MONDO:0016830.

Allele frequency attached by ClinVar (database versions not stated): gnomAD exomes below 0.00001.
gnomAD v4.1: 8 of 1,614,222 alleles (0.0005%); highest among the groups gnomAD compares: Non-Finnish European, 0.00059%; no homozygotes.

Submission:

Labcorp Genetics (formerly Invitae), Labcorp
Classification: Uncertain significance for Emery-Dreifuss muscular dystrophy. Last evaluated: 2022-08-25. Review status: criteria provided, single submitter. Criteria: Invitae Variant Classification Sherloc (09022015). Collection method: clinical testing. Allele origin: germline.
Comment: In summary, the available evidence is currently insufficient to determine the role of this variant in disease. Therefore, it has been classified as a Variant of Uncertain Significance. Algorithms developed to predict the effect of missense changes on protein structure and function are either unavailable or do not agree on the potential impact of this missense change (SIFT: "Tolerated"; PolyPhen-2: "Probably Damaging"; Align-GVGD: "Class C0"). This variant has not been reported in the literature in individuals affected with SUN1-related conditions. This variant is not present in population databases (gnomAD no frequency). This sequence change replaces histidine, which is basic and polar, with arginine, which is basic and polar, at codon 564 of the SUN1 protein (p.His564Arg).

NM_001130965.3(SUN1):c.1691A>G (p.His564Arg)

Gene: SUN1 (Sad1 and UNC84 domain containing 1; plus strand). Cytogenetic location: 7p22.3.
Variant type: single nucleotide variant.
Coding change: c.1691A>G on transcript NM_001130965.3 (MANE Select); coding-DNA position 1691, A replaced by G.
Protein change: p.His564Arg; replaces histidine 564 with arginine.
Molecular consequence: missense variant. On other transcripts: non-coding transcript variant (3).
Genome position (GRCh38, 1-based): chr7:860,294, A>G. VCF-style: chr7-860294-A-G. GRCh37 (hg19) VCF-style: chr7-899931-A-G.
Other names: c.1382A>G, p.His461Arg (NM_001171944.2); c.1691A>G, p.His564Arg (NM_001367633.1, NM_001367634.1, NM_001367653.1); c.1340A>G, p.His447Arg (NM_001367635.1); c.1931A>G, p.His644Arg (NM_001367636.1, NM_001367691.1); c.1799A>G, p.His600Arg (NM_001367638.1); c.1232A>G, p.His411Arg (NM_001367639.1); c.1871A>G, p.His624Arg (NM_001367640.1); c.1973A>G, p.His658Arg (NM_001367641.1, NM_001367682.1); and 43 more; short protein forms H447R, H551R, H568R, H617R, H628R, H630R, H657R, H375R.
Identifiers: ClinVar variation 2202223 (VCV002202223.4), dbSNP rs2488101686, ClinGen allele CA366533748.
Genomic context (GRCh38, chr7:860,294, plus strand): 5'-AAGGCGACTTGCAGACGATGCTGCGAGACCTGCAGCTGCAGATCCTGCGGAACGTCACCC[A>G]CCACGTTTCCGTGACCAAGCAGCTCCCAACCTCAGAAGCCGTGGTGTCTGCTGTGAGCGA-3'
Protein context (NP_001124437.1, residues 554-574): LQLQILRNVT[His564Arg]HVSVTKQLPT